The following is an entry in ClinVar:

ClinVar aggregate classification (germline): Uncertain significance (1 of 4 stars; one submission).

Conditions:
Combined immunodeficiency due to STIM1 deficiency. Also called: STIM1 DEFICIENCY; IMMUNODEFICIENCY 10. Identifiers: Orphanet 169090, Orphanet 317430, MedGen C2748557, MONDO:0013008, OMIM 612783.
Stormorken syndrome (STRMK). Also called: THROMBOCYTOPATHY, ASPLENIA, AND MIOSIS. Identifiers: Orphanet 3204, MedGen C1861451, MONDO:0008497, OMIM 185070.
Myopathy with tubular aggregates (TAM). Also called: Tubular Aggregate Myopathy. Identifiers: Orphanet 2593, MedGen C0410207, MONDO:0008051.

Allele frequency attached by ClinVar (database versions not stated): gnomAD exomes below 0.00001.
gnomAD v4.1: 3 of 1,613,848 alleles (0.00019%); highest among the groups gnomAD compares: Non-Finnish European, 0.000085%; no homozygotes.

Submission:

Labcorp Genetics (formerly Invitae), Labcorp
Classification: Uncertain significance for Myopathy with tubular aggregates; Combined immunodeficiency due to STIM1 deficiency; Stormorken syndrome. Last evaluated: 2023-01-15. Review status: criteria provided, single submitter. Criteria: Invitae Variant Classification Sherloc (09022015). Collection method: clinical testing. Allele origin: germline.
Comment: In summary, the available evidence is currently insufficient to determine the role of this variant in disease. Therefore, it has been classified as a Variant of Uncertain Significance. Algorithms developed to predict the effect of missense changes on protein structure and function (SIFT, PolyPhen-2, Align-GVGD) all suggest that this variant is likely to be tolerated. ClinVar contains an entry for this variant (Variation ID: 1464891). This variant has not been reported in the literature in individuals affected with STIM1-related conditions. This variant is not present in population databases (gnomAD no frequency). This sequence change replaces serine, which is neutral and polar, with proline, which is neutral and non-polar, at codon 43 of the STIM1 protein (p.Ser43Pro).

NM_001382567.1(STIM1):c.127T>C (p.Ser43Pro)

Gene: STIM1 (stromal interaction molecule 1; plus strand). Cytogenetic location: 11p15.4.
Variant type: single nucleotide variant.
Coding change: c.127T>C on transcript NM_001382567.1 (MANE Select); coding-DNA position 127, T replaced by C.
Protein change: p.Ser43Pro; replaces serine 43 with proline.
Molecular consequence: missense variant. On other transcripts: synonymous variant (1), 5 prime UTR variant (1), non-coding transcript variant (3), intron variant (10).
Genome position (GRCh38, 1-based): chr11:3,856,397, T>C. VCF-style: chr11-3856397-T-C. GRCh37 (hg19) VCF-style: chr11-3877627-T-C.
Other names: c.127T>C, p.Ser43Pro (NM_001277961.3, NM_001277962.2, NM_001382568.1 and 3 more transcripts); c.123T>C, p.Ser41= (NM_001382569.1); c.-111T>C (NM_001382571.1); c.-84+1661T>C (NM_001382578.1, NM_001382575.1, NM_001382574.1); c.-220+1661T>C (NM_001382580.1, NM_001382581.1); c.-84+1743T>C (NM_001382576.1); c.-84+981T>C (NM_001382566.1, NM_001382579.1, NM_001382577.1 and 1 more transcripts); short protein forms S43P.
Identifiers: ClinVar variation 1464891 (VCV001464891.8), dbSNP rs947448351, ClinGen allele CA216520785.